The following is an entry in ClinVar:

NM_032608.7(MYO18B):c.3527C>T (p.Pro1176Leu)

Gene: MYO18B (myosin XVIIIB; plus strand). Cytogenetic location: 22q12.1.
Variant type: single nucleotide variant.
Coding change: c.3527C>T on transcript NM_032608.7 (MANE Select); coding-DNA position 3527, C replaced by T.
Protein change: p.Pro1176Leu; replaces proline 1176 with leucine.
Molecular consequence: missense variant.
Genome position (GRCh38, 1-based): chr22:25,846,258, C>T. VCF-style: chr22-25846258-C-T. GRCh37 (hg19) VCF-style: chr22-26242225-C-T.
Other names: c.3530C>T, p.Pro1177Leu (NM_001318245.2); short protein forms P1176L, P1177L.
Identifiers: ClinVar variation 1028971 (VCV001028971.6), dbSNP rs533353146, ClinGen allele CA10160585.

ClinVar aggregate classification (germline): Uncertain significance. Review status: criteria provided, multiple submitters, no conflicts (2 of 4 stars). 3 submissions from 3 submitters: Uncertain significance (3). Last evaluated 2025-12-15.

Conditions:
Klippel-Feil anomaly-myopathy-facial dysmorphism syndrome. Also called: Klippel-Feil syndrome 4, autosomal recessive, with myopathy and facial dysmorphism; Klippel-feil syndrome 4, autosomal recessive, with nemaline myopathy and facial dysmorphism. Identifiers: Orphanet 447974, MedGen C4225285, MONDO:0014689, OMIM 616549.
Inborn genetic diseases. Identifiers: MedGen C0950123, MeSH D030342.

Allele frequency attached by ClinVar (database versions not stated): TOPMed 0.00004; gnomAD 0.00006 and 0.00007; ExAC 0.00007; 1000 Genomes Project 30x 0.00016; 1000 Genomes Project 0.00020.
gnomAD v4.1: 76 of 1,612,002 alleles (0.0047%); highest among the groups gnomAD compares: Admixed American, 0.013%; no homozygotes.

Submissions (3):

Labcorp Genetics (formerly Invitae), Labcorp
Classification: Uncertain significance. Last evaluated: 2025-12-15. Review status: criteria provided, single submitter. Criteria: Invitae Variant Classification Sherloc (09022015). Collection method: clinical testing. Allele origin: germline.
Comment: This sequence change replaces proline, which is neutral and non-polar, with leucine, which is neutral and non-polar, at codon 1176 of the MYO18B protein (p.Pro1176Leu). This variant is present in population databases (rs533353146, gnomAD 0.01%). This variant has not been reported in the literature in individuals affected with MYO18B-related conditions. ClinVar contains an entry for this variant (Variation ID: 1028971). An algorithm developed to predict the effect of missense changes on protein structure and function (PolyPhen-2) suggests that this variant is likely to be tolerated. In summary, the available evidence is currently insufficient to determine the role of this variant in disease. Therefore, it has been classified as a Variant of Uncertain Significance.

Ambry Genetics
Classification: Uncertain significance for Inborn genetic diseases. Last evaluated: 2025-04-11. Review status: criteria provided, single submitter. Criteria: Ambry Variant Classification Scheme 2023. Collection method: clinical testing. Allele origin: germline.

Baylor Genetics
Classification: Uncertain significance for Klippel-Feil anomaly-myopathy-facial dysmorphism syndrome. Last evaluated: 2020-05-05. Review status: criteria provided, single submitter. Criteria: ACMG Guidelines, 2015. Collection method: clinical testing. Allele origin: unknown. Affected: yes.
Comment: This variant was determined to be of uncertain significance according to ACMG Guidelines, 2015 [PMID:25741868].